The following is an entry in ClinVar:

NM_006206.6(PDGFRA):c.1301G>A (p.Arg434Lys)

Gene: PDGFRA (platelet derived growth factor receptor alpha; plus strand). Cytogenetic location: 4q12.
Variant type: single nucleotide variant.
Coding change: c.1301G>A on transcript NM_006206.6 (MANE Select); coding-DNA position 1301, G replaced by A.
Protein change: p.Arg434Lys; replaces arginine 434 with lysine.
Molecular consequence: missense variant.
Genome position (GRCh38, 1-based): chr4:54,272,457, G>A. VCF-style: chr4-54272457-G-A. GRCh37 (hg19) VCF-style: chr4-55138624-G-A.
Other names: c.1301G>A, p.Arg434Lys (NM_001347827.2, NM_001347829.2); c.1376G>A, p.Arg459Lys (NM_001347828.2); c.1340G>A, p.Arg447Lys (NM_001347830.2); short protein forms R434K, R447K, R459K.
Identifiers: ClinVar variation 2813319 (VCV002813319.3), dbSNP rs2110287112, ClinGen allele CA356892259.

ClinVar aggregate classification (germline): Uncertain significance (1 of 4 stars; one submission).

Conditions:
Gastrointestinal stromal tumor. Also called: Gastrointestinal stromal tumor, somatic; Gastrointestinal stroma tumor. Identifiers: Orphanet 44890, MedGen C0238198, MeSH D046152, MONDO:0011719, OMIM 606764, HP:0100723.

Allele frequency attached by ClinVar (database versions not stated): gnomAD exomes below 0.00001.
gnomAD v4.1: 1 of 1,613,894 alleles (0.000062%); highest among the groups gnomAD compares: Non-Finnish European, 0.000085%; no homozygotes.

Submission:

Labcorp Genetics (formerly Invitae), Labcorp
Classification: Uncertain significance for Gastrointestinal stromal tumor. Last evaluated: 2022-11-10. Review status: criteria provided, single submitter. Criteria: Invitae Variant Classification Sherloc (09022015). Collection method: clinical testing. Allele origin: germline.
Comment: In summary, the available evidence is currently insufficient to determine the role of this variant in disease. Therefore, it has been classified as a Variant of Uncertain Significance. Advanced modeling of protein sequence and biophysical properties (such as structural, functional, and spatial information, amino acid conservation, physicochemical variation, residue mobility, and thermodynamic stability) performed at Invitae indicates that this missense variant is not expected to disrupt PDGFRA protein function. This variant has not been reported in the literature in individuals affected with PDGFRA-related conditions. This variant is not present in population databases (gnomAD no frequency). This sequence change replaces arginine, which is basic and polar, with lysine, which is basic and polar, at codon 434 of the PDGFRA protein (p.Arg434Lys).